The following is an entry in ClinVar:

ClinVar aggregate classification (germline): Uncertain significance (1 of 4 stars; one submission).

Allele frequency attached by ClinVar (database versions not stated): gnomAD exomes below 0.00001; TOPMed below 0.00001; gnomAD 0.00001.
gnomAD v4.1: 4 of 1,614,056 alleles (0.00025%); highest among the groups gnomAD compares: Non-Finnish European, 0.00034%; no homozygotes.

Submission:

Labcorp Genetics (formerly Invitae), Labcorp
Classification: Uncertain significance. Last evaluated: 2025-11-12. Review status: criteria provided, single submitter. Criteria: Invitae Variant Classification Sherloc (09022015). Collection method: clinical testing. Allele origin: germline.
Comment: This sequence change replaces leucine, which is neutral and non-polar, with valine, which is neutral and non-polar, at codon 418 of the FBLN5 protein (p.Leu418Val). This variant is present in population databases (no rsID available, gnomAD 0.0009%). This variant has not been reported in the literature in individuals affected with FBLN5-related conditions. ClinVar contains an entry for this variant (Variation ID: 1496618). Invitae Evidence Modeling of protein sequence and biophysical properties (such as structural, functional, and spatial information, amino acid conservation, physicochemical variation, residue mobility, and thermodynamic stability) indicates that this missense variant is not expected to disrupt FBLN5 protein function with a negative predictive value of 80%. In summary, the available evidence is currently insufficient to determine the role of this variant in disease. Therefore, it has been classified as a Variant of Uncertain Significance.

NM_006329.4(FBLN5):c.1252C>G (p.Leu418Val)

Gene: FBLN5 (fibulin 5; minus strand). Cytogenetic location: 14q32.12.
Variant type: single nucleotide variant.
Coding change: c.1252C>G on transcript NM_006329.4 (MANE Select); coding-DNA position 1252, C replaced by G.
Protein change: p.Leu418Val; replaces leucine 418 with valine.
Molecular consequence: missense variant. On other transcripts: 3 prime UTR variant (2).
Genome position (GRCh38, 1-based): chr14:91,870,319, G>C on the plus strand (C>G on the coding strand, the complement: FBLN5 is on the minus strand). VCF-style: chr14-91870319-G-C. GRCh37 (hg19) VCF-style: chr14-92336663-G-C.
Other names: c.1375C>G, p.Leu459Val (NM_001384158.1); c.1303C>G, p.Leu435Val (NM_001384159.1); c.*36C>G (NM_001384160.1, NM_001384161.1); c.1084C>G, p.Leu362Val (NM_001384162.1); short protein forms L459V, L362V, L418V, L435V.
Identifiers: ClinVar variation 1496618 (VCV001496618.8), dbSNP rs1405633471, ClinGen allele CA390639304.
Genomic context (GRCh38, chr14:91,870,319, plus strand): 5'-GGATCACGGAGCTGCCTCTGAAGTTGATGACAGTGTTGACAGTGATCATTTCCAAGTCCA[G>C]CTGGATTTCCCGGGGCCCTTTGATGGGGCGTGTCATCACCAGGGTGGCACTGATGGGGCC-3'
Protein context (NP_006320.2, residues 408-428): RPIKGPREIQ[Leu418Val]DLEMITVNTV